The following is an entry in ClinVar:

ClinVar aggregate classification (germline): Likely benign (1 of 4 stars; one submission).

Conditions:
ROCK2-related disorder. Also called: ROCK2-related condition.

gnomAD v4.1: 175 of 1,613,390 alleles (0.011%); highest among the groups gnomAD compares: African/African-American, 0.21%; no homozygotes.

Submission:

PreventionGenetics, part of Exact Sciences
Classification: Likely benign for ROCK2-related condition. Last evaluated: 2025-01-23. Review status: criteria provided, single submitter. Criteria: ACMG Guidelines, 2015. Collection method: clinical testing. Allele origin: germline.
Comment: This variant is classified as likely benign based on ACMG/AMP sequence variant interpretation guidelines (Richards et al. 2015 PMID: 25741868, with internal and published modifications).

NM_004850.5(ROCK2):c.3048T>G (p.Ile1016Met)

Gene: ROCK2 (Rho associated coiled-coil containing protein kinase 2; minus strand). Cytogenetic location: 2p25.1.
Variant type: single nucleotide variant.
Coding change: c.3048T>G on transcript NM_004850.5 (MANE Select); coding-DNA position 3048, T replaced by G.
Protein change: p.Ile1016Met; replaces isoleucine 1016 with methionine.
Molecular consequence: missense variant.
Genome position (GRCh38, 1-based): chr2:11,198,542, A>C on the plus strand (T>G on the coding strand, the complement: ROCK2 is on the minus strand). VCF-style: chr2-11198542-A-C. GRCh37 (hg19) VCF-style: chr2-11338668-A-C.
Other names: c.2790T>G, p.Ile930Met (NM_001321643.2); short protein forms I930M, I1016M.
Identifiers: ClinVar variation 4992805 (VCV004992805.1).